The following is an entry in ClinVar:

ClinVar aggregate classification (germline): Uncertain significance (1 of 4 stars; one submission).

Submission:

GeneDx
Classification: Uncertain significance. Last evaluated: 2026-03-27. Review status: criteria provided, single submitter. Criteria: GeneDx Variant Classification Process June 2021. Collection method: clinical testing. Allele origin: germline.
Comment: Not observed at significant frequency in large population cohorts (gnomAD); In silico analysis supports that this missense variant has a deleterious effect on protein structure/function; Has not been previously published as pathogenic or benign to our knowledge

NM_004415.4(DSP):c.8176T>C (p.Phe2726Leu)

Gene: DSP (desmoplakin; plus strand). Cytogenetic location: 6p24.3.
Variant type: single nucleotide variant.
Coding change: c.8176T>C on transcript NM_004415.4 (MANE Select); coding-DNA position 8176, T replaced by C.
Protein change: p.Phe2726Leu; replaces phenylalanine 2726 with leucine.
Molecular consequence: missense variant.
Genome position (GRCh38, 1-based): chr6:7,585,438, T>C. VCF-style: chr6-7585438-T-C. GRCh37 (hg19) VCF-style: chr6-7585671-T-C.
Other names: c.6379T>C, p.Phe2127Leu (NM_001008844.3); c.6847T>C, p.Phe2283Leu (NM_001319034.2); short protein forms F2127L, F2283L, F2726L.
Identifiers: ClinVar variation 5018440 (VCV005018440.1).